The following is an entry in ClinVar:

NM_000186.4(CFH):c.1352C>A (p.Ser451Ter)

Gene: CFH (complement factor H; plus strand). Cytogenetic location: 1q31.3.
Variant type: single nucleotide variant.
Coding change: c.1352C>A on transcript NM_000186.4 (MANE Select); coding-DNA position 1352, C replaced by A.
Protein change: p.Ser451Ter; replaces serine 451 with a stop codon.
Molecular consequence: nonsense.
Genome position (GRCh38, 1-based): chr1:196,713,750, C>A. VCF-style: chr1-196713750-C-A. GRCh37 (hg19) VCF-style: chr1-196682880-C-A.
Other names: short protein forms S451*.
Identifiers: ClinVar variation 4730488 (VCV004730488.1).

ClinVar aggregate classification (germline): Pathogenic (1 of 4 stars; one submission).

Submission:

Labcorp Genetics (formerly Invitae), Labcorp
Classification: Pathogenic. Last evaluated: 2025-11-16. Review status: criteria provided, single submitter. Criteria: Invitae Variant Classification Sherloc (09022015). Collection method: clinical testing. Allele origin: germline.
Comment: This sequence change creates a premature translational stop signal (p.Ser451*) in the CFH gene. It is expected to result in an absent or disrupted protein product. Loss-of-function variants in CFH are known to be pathogenic (PMID: 11170896, 14978182, 16621965, 23870792, 25188723). This variant is not present in population databases (gnomAD no frequency). This variant has not been reported in the literature in individuals affected with CFH-related conditions. For these reasons, this variant has been classified as Pathogenic.

Literature cited by the submitters: PubMed 11170896; PubMed 14978182; PubMed 16621965; PubMed 23870792; PubMed 25188723.